The following is an entry in ClinVar:

ClinVar aggregate classification (germline): Likely benign. Review status: criteria provided, multiple submitters, no conflicts (2 of 4 stars). 3 submissions from 3 submitters: Likely benign (3). Last evaluated 2023-09-20.

Conditions:
Charcot-Marie-Tooth disease axonal type 2O. Also called: Charcot-Marie-Tooth Neuropathy Type 2O; CHARCOT-MARIE-TOOTH NEUROPATHY, AXONAL, TYPE 2O; CHARCOT-MARIE-TOOTH DISEASE, AXONAL, AUTOSOMAL DOMINANT, TYPE 2O; Charcot-Marie-Tooth disease, axonal, type 20. Identifiers: Orphanet 284232, MedGen C3280220, MONDO:0013644, OMIM 614228.

Allele frequency attached by ClinVar (database versions not stated): TOPMed 0.00002.
gnomAD v4.1: 20 of 1,601,938 alleles (0.0012%); highest among the groups gnomAD compares: Middle Eastern, 0.019%; no homozygotes.

Submissions (3):

Labcorp Genetics (formerly Invitae), Labcorp
Classification: Likely benign for Charcot-Marie-Tooth disease axonal type 2O. Last evaluated: 2023-09-20. Review status: criteria provided, single submitter. Criteria: Invitae Variant Classification Sherloc (09022015). Collection method: clinical testing. Allele origin: germline.

Blueprint Genetics
Classification: Likely benign. Last evaluated: 2022-03-31. Review status: criteria provided, single submitter. Criteria: ACMG Guidelines, 2015. Collection method: clinical testing. Allele origin: germline.

GeneDx
Classification: Likely benign. Last evaluated: 2016-11-17. Review status: criteria provided, single submitter. Criteria: GeneDx Variant Classification (06012015). Collection method: clinical testing. Allele origin: germline. Affected: yes.
Comment: This variant is considered likely benign or benign based on one or more of the following criteria: it is a conservative change, it occurs at a poorly conserved position in the protein, it is predicted to be benign by multiple in silico algorithms, and/or has population frequency not consistent with disease.

NM_001376.5(DYNC1H1):c.13218+17C>A

Gene: DYNC1H1 (dynein cytoplasmic 1 heavy chain 1; plus strand). Cytogenetic location: 14q32.31.
Variant type: single nucleotide variant.
Coding change: c.13218+17C>A on transcript NM_001376.5 (MANE Select); 17 bases into the intron after coding-DNA position 13218, C replaced by A.
Molecular consequence: intron variant.
Genome position (GRCh38, 1-based): chr14:102,048,045, C>A. VCF-style: chr14-102048045-C-A. GRCh37 (hg19) VCF-style: chr14-102514382-C-A.
Identifiers: ClinVar variation 390876 (VCV000390876.6), dbSNP rs779202254, ClinGen allele CA16606774.